The following is an entry in ClinVar:

NM_025161.6(FAAP100):c.2311-1G>A

Gene: FAAP100 (FA core complex associated protein 100; minus strand). Cytogenetic location: 17q25.3.
Variant type: single nucleotide variant.
Coding change: c.2311-1G>A on transcript NM_025161.6 (MANE Select); the canonical splice acceptor site of the intron before coding-DNA position 2311, G replaced by A.
Molecular consequence: splice acceptor variant.
Genome position (GRCh38, 1-based): chr17:81,544,121, C>T on the plus strand (G>A on the coding strand, the complement: FAAP100 is on the minus strand). VCF-style: chr17-81544121-C-T. GRCh37 (hg19) VCF-style: chr17-79511147-C-T.
Identifiers: ClinVar variation 4531686 (VCV004531686.1).

ClinVar aggregate classification (germline): Likely pathogenic (1 of 4 stars; one submission).

Conditions:
Fanconi anemia, complementation group 10. Also called: FANCONI ANEMIA, COMPLEMENTATION GROUP X. Identifiers: MedGen C6012745, MONDO:0979241, OMIM 621258.

Submission:

Victorian Clinical Genetics Services, Murdoch Childrens Research Institute
Classification: Likely pathogenic for Fanconi anemia, complementation group 10. Last evaluated: 2025-10-16. Review status: criteria provided, single submitter. Criteria: ACMG Guidelines, 2015. Collection method: clinical testing. Allele origin: germline. Affected: yes.
Comment: This variant is classified as Likely pathogenic. Evidence in support of pathogenic classification: Canonical splice site variant without proven consequence on splicing (no functional evidence available); Variant is absent from gnomAD (v2, v3 and v4); Abnormal splicing is predicted by in silico tool and affected nucleotide is highly conserved. Additional information: This variant is homozygous; This gene is associated with autosomal recessive disease; Alternative nucleotide change(s) at the same canonical splice site are present in gnomAD (highest allele count: v4: 1 heterozygote(s), 0 homozygote(s)); This variant has no previous evidence of pathogenicity; No published evidence of segregation with disease has been identified for this variant; No published functional evidence has been identified for this variant; No comparable canonical splice variants have previous evidence for pathogenicity; Loss of function is a known mechanism of disease in this gene and is associated with Fanconi anemia, complementation group X (MIM#621258).